The following is an entry in ClinVar:

NM_001375567.1(FOCAD):c.1043C>G (p.Ser348Cys)

Gene: FOCAD (focadhesin; plus strand). Cytogenetic location: 9p21.3.
Variant type: single nucleotide variant.
Coding change: c.1043C>G on transcript NM_001375567.1 (MANE Select); coding-DNA position 1043, C replaced by G.
Protein change: p.Ser348Cys; replaces serine 348 with cysteine.
Molecular consequence: missense variant.
Genome position (GRCh38, 1-based): chr9:20,781,775, C>G. VCF-style: chr9-20781775-C-G. GRCh37 (hg19) VCF-style: chr9-20781774-C-G.
Other names: c.1043C>G, p.Ser348Cys (NM_001375568.1, NM_017794.5); c.938C>G, p.Ser313Cys (NM_001375570.1); short protein forms S313C, S348C.
Identifiers: ClinVar variation 4803353 (VCV004803353.1).
Genomic context (GRCh38, chr9:20,781,775, plus strand): 5'-TTTGATGAATAGCTTTGAAGCTCCTCTCTGTTACTGAGGATCAGAAAATCCCAAAGTCCT[C>G]TCTGCTGCTAGTGATGCCAATTCTGCAGATACTATCTTCTACTGCCTTGGAAGACTGTAT-3'
Protein context (NP_001362496.1, residues 338-358): VTEDQKIPKS[Ser348Cys]LLLVMPILQI

ClinVar aggregate classification (germline): Uncertain significance (1 of 4 stars; one submission).

gnomAD v4.1: 9 of 1,613,982 alleles (0.00056%); highest among the groups gnomAD compares: South Asian, 0.0022%; no homozygotes.

Submission:

Labcorp Genetics (formerly Invitae), Labcorp
Classification: Uncertain significance. Last evaluated: 2025-10-14. Review status: criteria provided, single submitter. Criteria: Invitae Variant Classification Sherloc (09022015). Collection method: clinical testing. Allele origin: germline.
Comment: This sequence change replaces serine, which is neutral and polar, with cysteine, which is neutral and slightly polar, at codon 348 of the FOCAD protein (p.Ser348Cys). This variant is present in population databases (no rsID available, gnomAD 0.002%). This variant has not been reported in the literature in individuals affected with FOCAD-related conditions. Experimental studies and prediction algorithms are not available or were not evaluated, and the functional significance of this variant is currently unknown. In summary, the available evidence is currently insufficient to determine the role of this variant in disease. Therefore, it has been classified as a Variant of Uncertain Significance.